The following is an entry in ClinVar:

NM_004519.4(KCNQ3):c.914A>G (p.Asp305Gly)

Gene: KCNQ3 (potassium voltage-gated channel subfamily Q member 3; minus strand). Cytogenetic location: 8q24.22.
Variant type: single nucleotide variant.
Coding change: c.914A>G on transcript NM_004519.4 (MANE Select); coding-DNA position 914, A replaced by G.
Protein change: p.Asp305Gly; replaces aspartic acid 305 with glycine.
Molecular consequence: missense variant.
Genome position (GRCh38, 1-based): chr8:132,175,472, T>C on the plus strand (A>G on the coding strand, the complement: KCNQ3 is on the minus strand). VCF-style: chr8-132175472-T-C. GRCh37 (hg19) VCF-style: chr8-133187719-T-C.
Other names: c.554A>G, p.Asp185Gly (NM_001204824.2); short protein forms D305G, D185G.
Identifiers: ClinVar variation 21414 (VCV000021414.8), dbSNP rs118192248, ClinGen allele CA342041.
Genomic context (GRCh38, chr8:132,175,472, plus strand): 5'-CAGTCAATCTCACAGAATTGGCCTCCAAGGTAGTGACTCACCAGGCCCCACCACAGGGCA[T>C]CTGCATAGGTCTCAAACTCCTCTTTCATCTCCTCTCCTTGTGCATCCACCTCTGGGACGT-3'
Protein context (NP_004510.1, residues 295-315): EMKEEFETYA[Asp305Gly]ALWWGLITLA

ClinVar aggregate classification (germline): Uncertain significance. Review status: criteria provided, multiple submitters, no conflicts (2 of 4 stars). 3 submissions from 3 submitters: Uncertain significance (2). 1 of the submissions does not count toward it. Last evaluated 2023-06-14.

Conditions:
Benign neonatal seizures. Also called: Benign familial neonatal seizures; Benign familial neonatal epilepsy; Convulsions benign familial neonatal dominant form; Autosomal dominant form of benign neonatal seizures; Benign neonatal familial convulsions. Identifiers: Orphanet 1949, MedGen C0220669, MONDO:0016027.
Seizures, benign familial neonatal, 2. Also called: Seizures, benign neonatal, 2; Benign Neonatal Epilepsy 2; KCNQ3-Related Self-Limited Familial Neonatal Epilepsy (SLFNE); CONVULSIONS, BENIGN FAMILIAL NEONATAL, 2; KCNQ3-Related Benign Familial Neonatal Epilepsy. Identifiers: Orphanet 1949, MedGen C1852581, MONDO:0007366, OMIM 121201.

Allele frequency attached by ClinVar (database versions not stated): gnomAD 0.00001.
gnomAD v4.1: 1 of 1,614,068 alleles (0.000062%); highest among the groups gnomAD compares: African/African-American, 0.0013%; no homozygotes.

Submissions (3):

Labcorp Genetics (formerly Invitae), Labcorp
Classification: Uncertain significance for Benign neonatal seizures. Last evaluated: 2023-06-14. Review status: criteria provided, single submitter. Criteria: Invitae Variant Classification Sherloc (09022015). Collection method: clinical testing. Allele origin: germline.
Comment: In summary, the available evidence is currently insufficient to determine the role of this variant in disease. Therefore, it has been classified as a Variant of Uncertain Significance. This variant disrupts the p.Asp305 amino acid residue in KCNQ3. Other variant(s) that disrupt this residue have been observed in individuals with KCNQ3-related conditions (PMID: 30782577), which suggests that this may be a clinically significant amino acid residue. This sequence change replaces aspartic acid, which is acidic and polar, with glycine, which is neutral and non-polar, at codon 305 of the KCNQ3 protein (p.Asp305Gly). This variant is not present in population databases (gnomAD no frequency). This missense change has been observed in individual(s) with benign familial neonatal convulsions (PMID: 14534157). ClinVar contains an entry for this variant (Variation ID: 21414). Advanced modeling of protein sequence and biophysical properties (such as structural, functional, and spatial information, amino acid conservation, physicochemical variation, residue mobility, and thermodynamic stability) performed at Invitae indicates that this missense variant is expected to disrupt KCNQ3 protein function. Experimental studies have shown that this missense change affects KCNQ3 function (PMID: 14534157). Algorithms developed to predict the effect of sequence changes on RNA splicing suggest that this variant may create or strengthen a splice site.

Women's Health and Genetics/Laboratory Corporation of America, LabCorp
Classification: Uncertain significance. Last evaluated: 2022-07-15. Review status: criteria provided, single submitter. Criteria: LabCorp Variant Classification Summary - May 2015. Collection method: clinical testing. Allele origin: germline.
Comment: Variant summary: KCNQ3 c.914A>G (p.Asp305Gly) results in a non-conservative amino acid change located in the ion transport domain (IPR005821) in the pore region (Singh_2003) of the encoded protein sequence. Five of five in-silico tools predict a damaging effect of the variant on protein function. The variant was absent in 251478 control chromosomes (gnomAD). c.914A>G has been reported in the literature in one individual affected with Benign Familial Neonatal Seizures (e.g. Singh_2003). These data do not allow any conclusion about variant significance. An experimental study found the variant caused a 40% reduction in maximal current of the heteromeric potassium channel, with no alterations in voltage dependence of activation or deactivation kinetics (Singh_2003). No clinical diagnostic laboratories have submitted clinical-significance assessments for this variant to ClinVar after 2014. Based on the evidence outlined above, the variant was classified as uncertain significance.

GeneReviews
No classification provided. Condition: Seizures, benign familial neonatal, 2. Review status: no classification provided. Collection method: literature only. Allele origin: germline. Not counted in ClinVar's aggregate classification.

Literature cited by the submitters: PubMed 30782577 (cited by Labcorp Genetics (formerly Invitae), Labcorp); PubMed 14534157 (cited by 3 submitters); NCBI Bookshelf NBK201978 (cited by GeneReviews).